The following is an entry in ClinVar:

NM_006767.4(LZTR1):c.1310G>C (p.Trp437Ser)

Gene: LZTR1 (leucine zipper like post translational regulator 1; plus strand). Cytogenetic location: 22q11.21.
Variant type: single nucleotide variant.
Coding change: c.1310G>C on transcript NM_006767.4 (MANE Select); coding-DNA position 1310, G replaced by C.
Protein change: p.Trp437Ser; replaces tryptophan 437 with serine.
Molecular consequence: missense variant.
Genome position (GRCh38, 1-based): chr22:20,993,711, G>C. VCF-style: chr22-20993711-G-C. GRCh37 (hg19) VCF-style: chr22-21348000-G-C.
Other names: short protein forms W437S.
Identifiers: ClinVar variation 1769655 (VCV001769655.7), dbSNP rs746949078, ClinGen allele CA10118810.
Genomic context (GRCh38, chr22:20,993,711, plus strand): 5'-CCCTCTTGCAGTTCTCCTGTTACCCTAAATGCACGCTGCACGAGGACTACGGGCGGCTGT[G>C]GGAGAGCCGCCAGTTCTGCGACGTGGAGTTCGTGCTGGGTGAGGTGGGTGCCTGTCCTCG-3'
Protein context (NP_006758.2, residues 427-447): CTLHEDYGRL[Trp437Ser]ESRQFCDVEF

ClinVar aggregate classification (germline): Uncertain significance. Review status: criteria provided, multiple submitters, no conflicts (2 of 4 stars). 3 submissions from 3 submitters: Uncertain significance (3). Last evaluated 2026-01-05.

Conditions:
Cardiovascular phenotype. Identifiers: MedGen CN230736.
Hereditary cancer-predisposing syndrome. Also called: Hereditary Cancer Syndrome; Hereditary neoplastic syndrome; Neoplastic Syndromes, Hereditary; Tumor predisposition. Identifiers: Orphanet 140162, MedGen C0027672, MeSH D009386, MONDO:0015356.

Allele frequency attached by ClinVar (database versions not stated): ExAC 0.00001.
gnomAD v4.1: 2 of 1,613,492 alleles (0.00012%); highest among the groups gnomAD compares: Non-Finnish European, 0.00017%; no homozygotes.

Submissions (3):

Labcorp Genetics (formerly Invitae), Labcorp
Classification: Uncertain significance. Last evaluated: 2026-01-05. Review status: criteria provided, single submitter. Criteria: Invitae Variant Classification Sherloc (09022015). Collection method: clinical testing. Allele origin: germline.
Comment: This sequence change replaces tryptophan, which is neutral and slightly polar, with serine, which is neutral and polar, at codon 437 of the LZTR1 protein (p.Trp437Ser). This variant is present in population databases (rs746949078, gnomAD 0.0009%). This variant has not been reported in the literature in individuals affected with LZTR1-related conditions. ClinVar contains an entry for this variant (Variation ID: 1769655). Invitae Evidence Modeling of protein sequence and biophysical properties (such as structural, functional, and spatial information, amino acid conservation, physicochemical variation, residue mobility, and thermodynamic stability) indicates that this missense variant is not expected to disrupt LZTR1 protein function with a negative predictive value of 80%. In summary, the available evidence is currently insufficient to determine the role of this variant in disease. Therefore, it has been classified as a Variant of Uncertain Significance.

Ambry Genetics
Classification: Uncertain significance for Cardiovascular phenotype; Hereditary cancer-predisposing syndrome. Last evaluated: 2025-03-05. Review status: criteria provided, single submitter. Criteria: Ambry Variant Classification Scheme 2023. Collection method: clinical testing. Allele origin: germline.
Comment: The p.W437S variant (also known as c.1310G>C), located in coding exon 12 of the LZTR1 gene, results from a G to C substitution at nucleotide position 1310. The tryptophan at codon 437 is replaced by serine, an amino acid with highly dissimilar properties. This amino acid position is highly conserved in available vertebrate species. In addition, this alteration is predicted to be deleterious by in silico analysis. Based on the available evidence, the clinical significance of this variant remains unclear.

GeneDx
Classification: Uncertain significance. Last evaluated: 2024-10-22. Review status: criteria provided, single submitter. Criteria: GeneDx Variant Classification Process June 2021. Collection method: clinical testing. Allele origin: germline. Affected: yes.
Comment: Has not been previously published as pathogenic or benign to our knowledge; Not observed at significant frequency in large population cohorts (gnomAD); In silico analysis indicates that this missense variant does not alter protein structure/function